The following is an entry in ClinVar:

ClinVar aggregate classification (germline): Pathogenic/Likely pathogenic. Review status: criteria provided, multiple submitters, no conflicts (2 of 4 stars). 4 submissions from 4 submitters: Pathogenic (2); Likely pathogenic (1). 1 of the submissions does not count toward it. Last evaluated 2022-10-04.

Conditions:
Osteocraniostenosis (GCLEB). Also called: Osteocraniostenosis (Gracile Bone Dysplasia); HABRODYSPLASIA; OSTEOCRANIOSPLENIC SYNDROME. Identifiers: Orphanet 2763, MedGen C1865639, MONDO:0011215, OMIM 602361.
Autosomal dominant Kenny-Caffey syndrome. Also called: Kenny-Caffey syndrome type 2. Identifiers: Orphanet 2333, Orphanet 93325, MedGen C4316787, MONDO:0007478, OMIM 127000.

Submissions (4):

Equipe Genetique des Anomalies du Developpement, Université de Bourgogne
Classification: Pathogenic for Osteocraniostenosis. Last evaluated: 2022-10-04. Review status: criteria provided, single submitter. Criteria: ACMG Guidelines, 2015. Collection method: clinical testing. Allele origin: unknown. Inheritance: Autosomal dominant inheritance. Affected: yes.

Dasa
Classification: Pathogenic for Autosomal dominant Kenny-Caffey syndrome. Last evaluated: 2022-02-14. Review status: criteria provided, single submitter. Criteria: ACMG Guidelines, 2015. Collection method: clinical testing. Allele origin: germline. Affected: yes. Observed: 1 variant allele.
Comment: This sequence change has been observed in affected individual(s) and ClinVar contains an entry for this variant (ClinVar ID: 56811; OMIM: 615292.0002; PMID: 23684011) - PS4. This variant is not present in population databases (rs1565206032, gnomAD; ABraOM no frequency) - PM2. Protein length variants as a result of in-frame deletions/insertions in a nonrepeat region or stop-loss variants - PM4. The variant was assumed de novo, but without confirmation of paternity and maternity (PMID: 23684011) - PM6. Multiple lines of computational evidence support a deleterious effect on the gene or gene product - PP3. In summary, the currently available evidence indicates that the variant is pathogenic.

Clinical Genetics and Genomics, Karolinska University Hospital
Classification: Likely pathogenic. Last evaluated: 2019-12-04. Review status: criteria provided, single submitter. Criteria: ACMG Guidelines, 2015. Collection method: clinical testing. Allele origin: germline. Affected: yes. Observed: 1 variant allele.

OMIM
Classification: Pathogenic for GRACILE BONE DYSPLASIA. Last evaluated: 2013-06-06. Review status: no assertion criteria provided. Collection method: literature only. Allele origin: germline. Not counted in ClinVar's aggregate classification.

Literature cited by the submitters: PubMed 23684011 (cited by Dasa and OMIM).

NM_001312909.2(FAM111A):c.1020TTC[2] (p.Ser343del)

Genes: FAM111A (FAM111 trypsin like peptidase A; plus strand), LOC130005740 (ATAC-STARR-seq lymphoblastoid active region 4748; plus strand). Cytogenetic location: 11q12.1.
Variant type: Microsatellite.
Coding change: c.1020TTC[2] on transcript NM_001312909.2 (MANE Select); two copies in a row of the 3-base unit TTC starting at c.1020; the reference has three copies in a row; one copy, 3 bases deleted; also written c.1026_1028del.
Protein change: p.Ser343del; deletes serine 343.
Molecular consequence: inframe deletion.
Genome position (GRCh38, 1-based): chr11:59,152,694-59,152,696, TTC deleted; deleting any 3 consecutive bases within chr11:59,152,688-59,152,696 gives the same sequence; the position shown is the placement nearest the transcript's 3' end. VCF-style (leftmost placement, unchanged base first): chr11-59152687-ATTC-A. GRCh37 (hg19) VCF-style: chr11-58920160-ATTC-A.
Other names: c.1026_1028del (NM_001312909.2, NM_022074.4); c.1020TTC[2], p.Ser343del (NM_001312910.2, NM_001312911.2, NM_001369457.1 and 29 more transcripts); short protein forms S343del.
Identifiers: ClinVar variation 56811 (VCV000056811.6), dbSNP rs1565206032, ClinGen allele CA913190271.